The following is an entry in ClinVar:

ClinVar aggregate classification (germline): Pathogenic (1 of 4 stars; one submission).

Conditions:
Cardiovascular phenotype. Identifiers: MedGen CN230736.

Submission:

Molecular Diagnostic Laboratory for Inherited Cardiovascular Disease, Montreal Heart Institute
Classification: Pathogenic for Cardiovascular phenotype. Last evaluated: 2025-11-05. Review status: criteria provided, single submitter. Criteria: ACMG Guidelines, 2015. Collection method: clinical testing. Allele origin: germline. Affected: yes.
Comment: PS1, PM2, PM5, PP2, PP3

NM_000169.3(GLA):c.465T>G (p.Asp155Glu)

Genes: GLA (galactosidase alpha; minus strand), RPL36A-HNRNPH2 (RPL36A-HNRNPH2 readthrough; plus strand). Cytogenetic location: Xq22.1.
Variant type: single nucleotide variant.
Coding change: c.465T>G on transcript NM_000169.3 (MANE Select); coding-DNA position 465, T replaced by G.
Protein change: p.Asp155Glu; replaces aspartic acid 155 with glutamic acid.
Molecular consequence: missense variant. On other transcripts: non-coding transcript variant (3), intron variant (2).
Genome position (GRCh38, 1-based): chrX:101,401,714, A>C on the plus strand (T>G on the coding strand, the complement: GLA is on the minus strand). VCF-style: chrX-101401714-A-C. GRCh37 (hg19) VCF-style: chrX-100656702-A-C.
Other names: c.588T>G, p.Asp196Glu (NM_001406747.1, NM_001406749.1); c.465T>G, p.Asp155Glu (NM_001406748.1); c.300+6257A>C (NM_001199973.2); c.177+9892A>C (NM_001199974.2); short protein forms D155E, D196E.
Identifiers: ClinVar variation 520521 (VCV000520521.3), dbSNP rs782197072, ClinGen allele CA413929474.